The following is an entry in ClinVar:

NM_001711.6(BGN):c.570G>A (p.Met190Ile)

Gene: BGN (biglycan; plus strand). Cytogenetic location: Xq28.
Variant type: single nucleotide variant.
Coding change: c.570G>A on transcript NM_001711.6 (MANE Select); coding-DNA position 570, G replaced by A.
Protein change: p.Met190Ile; replaces methionine 190 with isoleucine.
Molecular consequence: missense variant.
Genome position (GRCh38, 1-based): chrX:153,506,533, G>A. VCF-style: chrX-153506533-G-A. GRCh37 (hg19) VCF-style: chrX-152771991-G-A.
Other names: c.570G>A (NM_001711.4); short protein forms M190I.
Identifiers: ClinVar variation 2817172 (VCV002817172.4), dbSNP rs782171412, ClinGen allele CA10547277.

ClinVar aggregate classification (germline): Uncertain significance. Review status: criteria provided, multiple submitters, no conflicts (2 of 4 stars). 2 submissions from 2 submitters: Uncertain significance (2). Last evaluated 2024-09-17.

Conditions:
Cardiovascular phenotype. Identifiers: MedGen CN230736.

Allele frequency attached by ClinVar (database versions not stated): 1000 Genomes Project 30x 0.00021.

Submissions (2):

Ambry Genetics
Classification: Uncertain significance for Cardiovascular phenotype. Last evaluated: 2024-09-17. Review status: criteria provided, single submitter. Criteria: Ambry Variant Classification Scheme 2023. Collection method: clinical testing. Allele origin: germline.
Comment: The p.M190I variant (also known as c.570G>A), located in coding exon 4 of the BGN gene, results from a G to A substitution at nucleotide position 570. The methionine at codon 190 is replaced by isoleucine, an amino acid with highly similar properties. This amino acid position is well conserved in available vertebrate species. In addition, the in silico prediction for this alteration is inconclusive. Based on the available evidence, the clinical significance of this variant remains unclear.

Labcorp Genetics (formerly Invitae), Labcorp
Classification: Uncertain significance. Last evaluated: 2024-05-10. Review status: criteria provided, single submitter. Criteria: Invitae Variant Classification Sherloc (09022015). Collection method: clinical testing. Allele origin: germline.
Comment: This sequence change replaces methionine, which is neutral and non-polar, with isoleucine, which is neutral and non-polar, at codon 190 of the BGN protein (p.Met190Ile). This variant is not present in population databases (gnomAD no frequency). This variant has not been reported in the literature in individuals affected with BGN-related conditions. Advanced modeling of protein sequence and biophysical properties (such as structural, functional, and spatial information, amino acid conservation, physicochemical variation, residue mobility, and thermodynamic stability) performed at Invitae indicates that this missense variant is not expected to disrupt BGN protein function with a negative predictive value of 80%. Algorithms developed to predict the effect of sequence changes on RNA splicing suggest that this variant may create or strengthen a splice site. In summary, the available evidence is currently insufficient to determine the role of this variant in disease. Therefore, it has been classified as a Variant of Uncertain Significance.